The following is an entry in ClinVar:

NM_001103.4(ACTN2):c.1933C>T (p.Gln645Ter)

Gene: ACTN2 (actinin alpha 2; plus strand). Cytogenetic location: 1q43.
Variant type: single nucleotide variant.
Coding change: c.1933C>T on transcript NM_001103.4 (MANE Select); coding-DNA position 1933, C replaced by T.
Protein change: p.Gln645Ter; replaces glutamine 645 with a stop codon.
Molecular consequence: nonsense. On other transcripts: non-coding transcript variant (1).
Genome position (GRCh38, 1-based): chr1:236,754,040, C>T. VCF-style: chr1-236754040-C-T. GRCh37 (hg19) VCF-style: chr1-236917340-C-T.
Other names: c.1933C>T, p.Gln645Ter (NM_001278343.2); short protein forms Q645*.
Identifiers: ClinVar variation 4282071 (VCV004282071.1).
Genomic context (GRCh38, chr1:236,754,040, plus strand): 5'-CTGCAGGAGGAGCTGGCTCGCCAGCATGCTAACGAGCGTCTGAGGCGCCAGTTTGCTGCC[C>T]AAGCCAATGCCATTGGGCCCTGGATCCAGAACAAGATGGAGGTAAGCCAGCGCCCTCCCA-3'

ClinVar aggregate classification (germline): Uncertain significance (1 of 4 stars; one submission).

Submission:

GeneDx
Classification: Uncertain significance. Last evaluated: 2025-04-15. Review status: criteria provided, single submitter. Criteria: GeneDx Variant Classification Process June 2021. Collection method: clinical testing. Allele origin: germline. Affected: yes.
Comment: Not observed at significant frequency in large population cohorts (gnomAD); Nonsense variant predicted to result in protein truncation or nonsense mediated decay in a gene or region of a gene for which loss of function is not a well-established mechanism of disease; Has not been previously published as pathogenic or benign to our knowledge